The following is an entry in ClinVar:

ClinVar aggregate classification (germline): Uncertain significance (1 of 4 stars; one submission).

Conditions:
Congenital disorder of deglycosylation (CDDG). Identifiers: MedGen C3808991, MONDO:0031376.

gnomAD v4.1: 1 of 1,614,072 alleles (0.000062%); highest among the groups gnomAD compares: Non-Finnish European, 0.000085%; no homozygotes.

Submission:

Labcorp Genetics (formerly Invitae), Labcorp
Classification: Uncertain significance for Congenital disorder of deglycosylation. Last evaluated: 2021-06-22. Review status: criteria provided, single submitter. Criteria: Invitae Variant Classification Sherloc (09022015). Collection method: clinical testing. Allele origin: germline.
Comment: In summary, the available evidence is currently insufficient to determine the role of this variant in disease. Therefore, it has been classified as a Variant of Uncertain Significance. Algorithms developed to predict the effect of missense changes on protein structure and function (SIFT, PolyPhen-2, Align-GVGD) all suggest that this variant is likely to be disruptive, but these predictions have not been confirmed by published functional studies and their clinical significance is uncertain. This variant has not been reported in the literature in individuals with NGLY1-related conditions. This variant is not present in population databases (ExAC no frequency). This sequence change replaces cysteine with tyrosine at codon 250 of the NGLY1 protein (p.Cys250Tyr). The cysteine residue is highly conserved and there is a large physicochemical difference between cysteine and tyrosine.

NM_018297.4(NGLY1):c.749G>A (p.Cys250Tyr)

Gene: NGLY1 (N-glycanase 1; minus strand). Cytogenetic location: 3p24.2.
Variant type: single nucleotide variant.
Coding change: c.749G>A on transcript NM_018297.4 (MANE Select); coding-DNA position 749, G replaced by A.
Protein change: p.Cys250Tyr; replaces cysteine 250 with tyrosine.
Molecular consequence: missense variant.
Genome position (GRCh38, 1-based): chr3:25,739,709, C>T on the plus strand (G>A on the coding strand, the complement: NGLY1 is on the minus strand). VCF-style: chr3-25739709-C-T. GRCh37 (hg19) VCF-style: chr3-25781200-C-T.
Other names: c.749G>A, p.Cys250Tyr (NM_001145293.2, NM_001145295.2); c.623G>A, p.Cys208Tyr (NM_001145294.2); short protein forms C208Y, C250Y.
Identifiers: ClinVar variation 1364428 (VCV001364428.8), dbSNP rs1440956965, ClinGen allele CA351903916.